The following is an entry in ClinVar:

ClinVar aggregate classification (germline): Pathogenic (1 of 4 stars; one submission).

Submission:

Labcorp Genetics (formerly Invitae), Labcorp
Classification: Pathogenic. Last evaluated: 2025-02-17. Review status: criteria provided, single submitter. Criteria: Invitae Variant Classification Sherloc (09022015). Collection method: clinical testing. Allele origin: germline.
Comment: This sequence change replaces leucine, which is neutral and non-polar, with glutamine, which is neutral and polar, at codon 31 of the RHO protein (p.Leu31Gln). This variant is not present in population databases (gnomAD no frequency). This missense change has been observed in individuals with autosomal dominant retinitis pigmentosa (PMID: 30390055). It has also been observed to segregate with disease in related individuals. Invitae Evidence Modeling of protein sequence and biophysical properties (such as structural, functional, and spatial information, amino acid conservation, physicochemical variation, residue mobility, and thermodynamic stability) indicates that this missense variant is expected to disrupt RHO protein function with a positive predictive value of 95%. For these reasons, this variant has been classified as Pathogenic.

Literature cited by the submitters: PubMed 30390055.

NM_000539.3(RHO):c.92T>A (p.Leu31Gln)

Gene: RHO (rhodopsin; plus strand). Cytogenetic location: 3q22.1.
Variant type: single nucleotide variant.
Coding change: c.92T>A on transcript NM_000539.3 (MANE Select); coding-DNA position 92, T replaced by A.
Protein change: p.Leu31Gln; replaces leucine 31 with glutamine.
Molecular consequence: missense variant.
Genome position (GRCh38, 1-based): chr3:129,528,825, T>A. VCF-style: chr3-129528825-T-A. GRCh37 (hg19) VCF-style: chr3-129247668-T-A.
Other names: short protein forms L31Q.
Identifiers: ClinVar variation 4739080 (VCV004739080.1).